The following is an entry in ClinVar:

ClinVar aggregate classification (germline): Uncertain significance (1 of 4 stars; one submission).

Submission:

Labcorp Genetics (formerly Invitae), Labcorp
Classification: Uncertain significance. Last evaluated: 2023-12-13. Review status: criteria provided, single submitter. Criteria: Invitae Variant Classification Sherloc (09022015). Collection method: clinical testing. Allele origin: germline.
Comment: This sequence change replaces arginine, which is basic and polar, with proline, which is neutral and non-polar, at codon 218 of the CD46 protein (p.Arg218Pro). This variant is not present in population databases (gnomAD no frequency). This variant has not been reported in the literature in individuals affected with CD46-related conditions. Advanced modeling of protein sequence and biophysical properties (such as structural, functional, and spatial information, amino acid conservation, physicochemical variation, residue mobility, and thermodynamic stability) performed at Invitae indicates that this missense variant is not expected to disrupt CD46 protein function with a negative predictive value of 80%. In summary, the available evidence is currently insufficient to determine the role of this variant in disease. Therefore, it has been classified as a Variant of Uncertain Significance.

NM_172351.3(CD46):c.653G>C (p.Arg218Pro)

Gene: CD46 (CD46 molecule; plus strand). Cytogenetic location: 1q32.2.
Variant type: single nucleotide variant.
Coding change: c.653G>C on transcript NM_172351.3 (MANE Select); coding-DNA position 653, G replaced by C.
Protein change: p.Arg218Pro; replaces arginine 218 with proline.
Molecular consequence: missense variant.
Genome position (GRCh38, 1-based): chr1:207,761,426, G>C. VCF-style: chr1-207761426-G-C. GRCh37 (hg19) VCF-style: chr1-207934771-G-C.
Other names: c.653G>C, p.Arg218Pro (NM_172352.3, NM_172353.3, NM_172355.3 and 8 more transcripts); short protein forms R218P.
Identifiers: ClinVar variation 2702679 (VCV002702679.3), dbSNP rs770322216, ClinGen allele CA344549594.
Genomic context (GRCh38, chr1:207,761,426, plus strand): 5'-ATCCATTTTCACTTATTGGAGAGAGCACGATTTATTGTGGTGACAATTCAGTGTGGAGTC[G>C]TGCTGCTCCAGAGTGTAAAGGTAGTGTTTCAATTTATTTCCTTCTTCATTTGTAAATACT-3'
Protein context (NP_758861.1, residues 208-228): IYCGDNSVWS[Arg218Pro]AAPECKVVKC